The following is an entry in ClinVar:

ClinVar aggregate classification (germline): Uncertain significance (1 of 4 stars; one submission).

Conditions:
Early-infantile DEE. Also called: Ohtahara syndrome; Early infantile epileptic encephalopathy with suppression bursts; Early infantile epileptic encephalopathy. Identifiers: Orphanet 1934, MedGen C0393706, MONDO:0800491.

Submission:

Labcorp Genetics (formerly Invitae), Labcorp
Classification: Uncertain significance for Early-infantile DEE. Last evaluated: 2022-09-01. Review status: criteria provided, single submitter. Criteria: Invitae Variant Classification Sherloc (09022015). Collection method: clinical testing. Allele origin: germline.
Comment: Algorithms developed to predict the effect of missense changes on protein structure and function are either unavailable or do not agree on the potential impact of this missense change (SIFT: "Deleterious"; PolyPhen-2: "Benign"; Align-GVGD: "Class C35"). In summary, the available evidence is currently insufficient to determine the role of this variant in disease. Therefore, it has been classified as a Variant of Uncertain Significance. ClinVar contains an entry for this variant (Variation ID: 1042128). This variant has not been reported in the literature in individuals affected with SCN1A-related conditions. This missense change has been observed in at least one individual who was not affected with SCN1A-related conditions (Invitae). This variant is not present in population databases (gnomAD no frequency). This sequence change replaces valine, which is neutral and non-polar, with glycine, which is neutral and non-polar, at codon 1026 of the SCN1A protein (p.Val1026Gly).

NM_001165963.4(SCN1A):c.3077T>G (p.Val1026Gly)

Genes: SCN1A (sodium voltage-gated channel alpha subunit 1; minus strand), LOC102724058 (uncharacterized LOC102724058; plus strand). Cytogenetic location: 2q24.3.
Variant type: single nucleotide variant.
Coding change: c.3077T>G on transcript NM_001165963.4 (MANE Select); coding-DNA position 3077, T replaced by G.
Protein change: p.Val1026Gly; replaces valine 1026 with glycine.
Molecular consequence: missense variant. On other transcripts: non-coding transcript variant (2).
Genome position (GRCh38, 1-based): chr2:166,036,400, A>C on the plus strand (T>G on the coding strand, the complement: SCN1A is on the minus strand). VCF-style: chr2-166036400-A-C. GRCh37 (hg19) VCF-style: chr2-166892910-A-C.
Other names: c.3041T>G, p.Val1014Gly (NM_001353955.2, NM_001353954.2); c.2993T>G, p.Val998Gly (NM_001353957.2, NM_001353958.2, NM_001165964.3); c.2990T>G, p.Val997Gly (NM_001353960.2); c.635T>G, p.Val212Gly (NM_001353961.2); c.3044T>G, p.Val1015Gly (NM_006920.6, NM_001353949.2, NM_001353950.2 and 2 more transcripts); c.3077T>G, p.Val1026Gly (NM_001202435.3, NM_001353948.2); short protein forms V997G, V212G, V1015G, V1014G, V1026G, V998G.
Identifiers: ClinVar variation 1042128 (VCV001042128.11), dbSNP rs1696379248, ClinGen allele CA349060101.